The following is an entry in ClinVar:

ClinVar aggregate classification (germline): Uncertain significance (1 of 4 stars; one submission).

Conditions:
Fanconi anemia (FA). Also called: Fanconi's anemia. Identifiers: Orphanet 84, MedGen C0015625, MeSH D005199, MONDO:0019391.

Submission:

Labcorp Genetics (formerly Invitae), Labcorp
Classification: Uncertain significance for Fanconi anemia. Last evaluated: 2020-11-12. Review status: criteria provided, single submitter. Criteria: Invitae Variant Classification Sherloc (09022015). Collection method: clinical testing. Allele origin: germline.
Comment: In summary, this variant is a novel missense change with uncertain impact on mRNA splicing and protein function. It has been classified as a Variant of Uncertain Significance. Algorithms developed to predict the effect of missense changes on protein structure and function (SIFT, PolyPhen-2, Align-GVGD) all suggest that this variant is likely to be tolerated, but these predictions have not been confirmed by published functional studies. Algorithms developed to predict the effect of sequence changes on mRNA splicing suggest that this variant may alter mRNA splicing, but this prediction has not been confirmed by published transcriptional studies. This variant is not present in population databases (ExAC no frequency) and has not been reported in the literature in individuals with a FANCI-related disease. This sequence change replaces aspartic acid with glycine at codon 28 of the FANCI protein (p.Asp28Gly). The aspartic acid residue is weakly conserved and there is a moderate physicochemical difference between aspartic acid and glycine.

NM_001113378.2(FANCI):c.83A>G (p.Asp28Gly)

Gene: FANCI (FA complementation group I; plus strand). Cytogenetic location: 15q26.1.
Variant type: single nucleotide variant.
Coding change: c.83A>G on transcript NM_001113378.2 (MANE Select); coding-DNA position 83, A replaced by G.
Protein change: p.Asp28Gly; replaces aspartic acid 28 with glycine.
Molecular consequence: missense variant. On other transcripts: intron variant (1).
Genome position (GRCh38, 1-based): chr15:89,247,730, A>G. VCF-style: chr15-89247730-A-G. GRCh37 (hg19) VCF-style: chr15-89790961-A-G.
Other names: c.83A>G, p.Asp28Gly (NM_001376911.1, NM_018193.3); c.-196+4A>G (NM_001376910.1); short protein forms D28G.
Identifiers: ClinVar variation 408257 (VCV000408257.8), dbSNP rs1060501902, ClinGen allele CA16614931.
Genomic context (GRCh38, chr15:89,247,730, plus strand): 5'-TAGCAGCAGAAAAAACAGCAGACAAACTGCAAGAATTTCTTCAAACCCTGAGAGAAGGTG[A>G]TGTGAGTATTAGGAAGCATGTTCTGCTAAAAGTAAATGTCAGGCATGATGACACATTCAA-3'
Protein context (NP_001106849.1, residues 18-38): QEFLQTLREG[Asp28Gly]LTNLLQNQAV